The following is an entry in ClinVar:

NM_000390.4(CHM):c.356A>G (p.Gln119Arg)

Genes: CHM (CHM Rab escort protein; minus strand), LOC129391306 (MPRA-validated peak7401 silencer; plus strand). Cytogenetic location: Xq21.2.
Variant type: single nucleotide variant.
Coding change: c.356A>G on transcript NM_000390.4 (MANE Select); coding-DNA position 356, A replaced by G.
Protein change: p.Gln119Arg; replaces glutamine 119 with arginine.
Molecular consequence: missense variant. On other transcripts: 5 prime UTR variant (4).
Genome position (GRCh38, 1-based): chrX:85,964,011, T>C on the plus strand (A>G on the coding strand, the complement: CHM is on the minus strand). VCF-style: chrX-85964011-T-C. GRCh37 (hg19) VCF-style: chrX-85219016-T-C.
Other names: c.-89A>G (NM_001320959.1, NM_001362517.1, NM_001362518.2 and 1 more transcripts); c.356A>G (NM_000390.2); short protein forms Q119R.
Identifiers: ClinVar variation 1496213 (VCV001496213.4), dbSNP rs1930445185, ClinGen allele CA413787366.

ClinVar aggregate classification (germline): Uncertain significance. Review status: criteria provided, multiple submitters, no conflicts (2 of 4 stars). 2 submissions from 2 submitters: Uncertain significance (2). Last evaluated 2026-03-03.

Conditions:
Inborn genetic diseases. Identifiers: MedGen C0950123, MeSH D030342.

Allele frequency attached by ClinVar (database versions not stated): gnomAD 0.00001.
gnomAD v4.1: 2 of 1,206,613 alleles (0.00017%); highest among the groups gnomAD compares: Non-Finnish European, 0.00011%; no homozygotes.

Submissions (2):

Ambry Genetics
Classification: Uncertain significance for Inborn genetic diseases. Last evaluated: 2026-03-03. Review status: criteria provided, single submitter. Criteria: Ambry Variant Classification Scheme 2023. Collection method: clinical testing. Allele origin: germline.

Labcorp Genetics (formerly Invitae), Labcorp
Classification: Uncertain significance. Last evaluated: 2022-10-13. Review status: criteria provided, single submitter. Criteria: Invitae Variant Classification Sherloc (09022015). Collection method: clinical testing. Allele origin: germline.
Comment: This sequence change replaces glutamine, which is neutral and polar, with arginine, which is basic and polar, at codon 119 of the CHM protein (p.Gln119Arg). This variant is not present in population databases (gnomAD no frequency). This variant has not been reported in the literature in individuals affected with CHM-related conditions. ClinVar contains an entry for this variant (Variation ID: 1496213). Algorithms developed to predict the effect of missense changes on protein structure and function (SIFT, PolyPhen-2, Align-GVGD) all suggest that this variant is likely to be tolerated. In summary, the available evidence is currently insufficient to determine the role of this variant in disease. Therefore, it has been classified as a Variant of Uncertain Significance.